The following is an entry in ClinVar:

NM_000260.4(MYO7A):c.4655G>A (p.Gly1552Glu)

Gene: MYO7A (myosin VIIA; plus strand). Cytogenetic location: 11q13.5.
Variant type: single nucleotide variant.
Coding change: c.4655G>A on transcript NM_000260.4 (MANE Select); coding-DNA position 4655, G replaced by A.
Protein change: p.Gly1552Glu; replaces glycine 1552 with glutamic acid.
Molecular consequence: missense variant. On other transcripts: intron variant (2).
Genome position (GRCh38, 1-based): chr11:77,199,621, G>A. VCF-style: chr11-77199621-G-A. GRCh37 (hg19) VCF-style: chr11-76910666-G-A.
Other names: c.4536-28G>A (NM_001369365.1); c.4569-28G>A (NM_001127180.2); short protein forms G1552E.
Identifiers: ClinVar variation 4991456 (VCV004991456.1).
Genomic context (GRCh38, chr11:77,199,621, plus strand): 5'-GCTGCTCTGATCTTGGCTGTGCTGCGCCTCACTCAGGCTGGGCAGGACTGACCCCGGCGG[G>A]GCCCTGTTCTCCGTGTTGGTCCTGCAGGGGAGCGAAAACGACGGCCCCCAGCTTCACGCT-3'
Protein context (NP_000251.3, residues 1542-1562): HSGWAGLTPA[Gly1552Glu]PCSPCWSCRG

ClinVar aggregate classification (germline): Uncertain significance (1 of 4 stars; one submission).

Conditions:
MYO7A-related disorder. Also called: MYO7A-related disorders.

Submission:

PreventionGenetics, part of Exact Sciences
Classification: Uncertain significance for MYO7A-related condition. Last evaluated: 2026-05-21. Review status: criteria provided, single submitter. Criteria: ACMG Guidelines, 2015. Collection method: clinical testing. Allele origin: germline.
Comment: The MYO7A c.4655G>A variant is predicted to result in the amino acid substitution p.Gly1552Glu. To our knowledge, this variant has not been reported in the literature or in a large population database (gnomAD), indicating this variant is rare. At this time, the clinical significance of this variant is uncertain due to the absence of conclusive functional and genetic evidence.